The following is an entry in ClinVar:

NM_000587.4(C7):c.1945T>C (p.Tyr649His)

Gene: C7 (complement C7; plus strand). Cytogenetic location: 5p13.1.
Variant type: single nucleotide variant.
Coding change: c.1945T>C on transcript NM_000587.4 (MANE Select); coding-DNA position 1945, T replaced by C.
Protein change: p.Tyr649His; replaces tyrosine 649 with histidine.
Molecular consequence: missense variant.
Genome position (GRCh38, 1-based): chr5:40,972,465, T>C. VCF-style: chr5-40972465-T-C. GRCh37 (hg19) VCF-style: chr5-40972567-T-C.
Other names: short protein forms Y649H.
Identifiers: ClinVar variation 1359643 (VCV001359643.6), dbSNP rs2111709825, ClinGen allele CA359593241.

ClinVar aggregate classification (germline): Uncertain significance (1 of 4 stars; one submission).

gnomAD v4.1: 2 of 1,613,926 alleles (0.00012%); highest among the groups gnomAD compares: Non-Finnish European, 0.00017%; no homozygotes.

Submission:

Labcorp Genetics (formerly Invitae), Labcorp
Classification: Uncertain significance. Last evaluated: 2021-09-23. Review status: criteria provided, single submitter. Criteria: Invitae Variant Classification Sherloc (09022015). Collection method: clinical testing. Allele origin: germline.
Comment: This sequence change replaces tyrosine with histidine at codon 649 of the C7 protein (p.Tyr649His). The tyrosine residue is highly conserved and there is a moderate physicochemical difference between tyrosine and histidine. In summary, the available evidence is currently insufficient to determine the role of this variant in disease. Therefore, it has been classified as a Variant of Uncertain Significance. Algorithms developed to predict the effect of missense changes on protein structure and function are either unavailable or do not agree on the potential impact of this missense change (SIFT: "Deleterious"; PolyPhen-2: "Probably Damaging"; Align-GVGD: "Class C0"). This variant has not been reported in the literature in individuals affected with C7-related conditions. This variant is not present in population databases (ExAC no frequency).